The following is an entry in ClinVar:

NM_000786.4(CYP51A1):c.713G>A (p.Gly238Glu)

Gene: CYP51A1 (cytochrome P450 family 51 subfamily A member 1; minus strand). Cytogenetic location: 7q21.2.
Variant type: single nucleotide variant.
Coding change: c.713G>A on transcript NM_000786.4 (MANE Select); coding-DNA position 713, G replaced by A.
Protein change: p.Gly238Glu; replaces glycine 238 with glutamic acid.
Molecular consequence: missense variant.
Genome position (GRCh38, 1-based): chr7:92,126,310, C>T on the plus strand (G>A on the coding strand, the complement: CYP51A1 is on the minus strand). VCF-style: chr7-92126310-C-T. GRCh37 (hg19) VCF-style: chr7-91755624-C-T.
Other names: c.713G>A (NM_000786.3); c.398G>A, p.Gly133Glu (NM_001146152.2); short protein forms G133E, G238E.
Identifiers: ClinVar variation 3626079 (VCV003626079.3).

ClinVar aggregate classification (germline): Uncertain significance. Review status: criteria provided, multiple submitters, no conflicts (2 of 4 stars). 2 submissions from 2 submitters: Uncertain significance (2). Last evaluated 2025-04-14.

gnomAD v4.1: 9 of 1,611,634 alleles (0.00056%); highest among the groups gnomAD compares: Admixed American, 0.0067%; no homozygotes.

Submissions (2):

Ambry Genetics
Classification: Uncertain significance. Last evaluated: 2025-04-14. Review status: criteria provided, single submitter. Criteria: Ambry Variant Classification Scheme 2023. Collection method: clinical testing. Allele origin: germline.

Labcorp Genetics (formerly Invitae), Labcorp
Classification: Uncertain significance. Last evaluated: 2024-03-28. Review status: criteria provided, single submitter. Criteria: Invitae Variant Classification Sherloc (09022015). Collection method: clinical testing. Allele origin: germline.
Comment: This sequence change replaces glycine, which is neutral and non-polar, with glutamic acid, which is acidic and polar, at codon 238 of the CYP51A1 protein (p.Gly238Glu). This variant is not present in population databases (gnomAD no frequency). This variant has not been reported in the literature in individuals affected with CYP51A1-related conditions. An algorithm developed to predict the effect of missense changes on protein structure and function (PolyPhen-2) suggests that this variant is likely to be disruptive. In summary, the available evidence is currently insufficient to determine the role of this variant in disease. Therefore, it has been classified as a Variant of Uncertain Significance.